The following is an entry in ClinVar:

NM_000179.3(MSH6):c.3469G>A (p.Gly1157Ser)

Gene: MSH6 (mutS homolog 6; plus strand). Cytogenetic location: 2p16.3.
Variant type: single nucleotide variant.
Coding change: c.3469G>A on transcript NM_000179.3 (MANE Select); coding-DNA position 3469, G replaced by A.
Protein change: p.Gly1157Ser; replaces glycine 1157 with serine.
Molecular consequence: missense variant.
Genome position (GRCh38, 1-based): chr2:47,804,940, G>A. VCF-style: chr2-47804940-G-A. GRCh37 (hg19) VCF-style: chr2-48032079-G-A.
Other names: c.3079G>A, p.Gly1027Ser (NM_001281492.2); c.2563G>A, p.Gly855Ser (NM_001281493.2, NM_001281494.2); short protein forms G1157S, G1027S, G855S.
Identifiers: ClinVar variation 89393 (VCV000089393.19), dbSNP rs587779264, ClinGen allele CA012971.

ClinVar aggregate classification (germline): Likely pathogenic. Review status: criteria provided, multiple submitters, no conflicts (2 of 4 stars). 7 submissions from 7 submitters: Likely pathogenic (6). 1 of the submissions does not count toward it. Last evaluated 2026-08-05.

Conditions:
Inherited MMR deficiency (Lynch syndrome).
Hereditary nonpolyposis colorectal neoplasms. Identifiers: MedGen C0009405, MeSH D003123.
Hereditary cancer-predisposing syndrome. Also called: Neoplastic Syndromes, Hereditary; Hereditary neoplastic syndrome; Hereditary Cancer Syndrome; Tumor predisposition. Identifiers: Orphanet 140162, MedGen C0027672, MeSH D009386, MONDO:0015356.
Lynch syndrome 4 (LYNCH4). Also called: Colorectal cancer, hereditary nonpolyposis, type 4; Hereditary non-polyposis colorectal cancer, type 4. Identifiers: Orphanet 144, MedGen C1838333, MONDO:0013699, OMIM 614337. Disease mechanism: loss of function.
Lynch syndrome 5 (LYNCH5). Also called: Colorectal cancer, hereditary nonpolyposis, type 5; Hereditary non-polyposis colorectal cancer, type 5. Identifiers: Orphanet 144, MedGen C1833477, MONDO:0013710, OMIM 614350. Disease mechanism: loss of function.

gnomAD v4.1: 7 of 1,614,096 alleles (0.00043%); highest among the groups gnomAD compares: Non-Finnish European, 0.00059%; no homozygotes.

Submissions (7):

Ambry Genetics
Classification: Likely pathogenic for Hereditary cancer-predisposing syndrome. Last evaluated: 2026-08-05. Review status: criteria provided, single submitter. Criteria: Ambry Variant Classification Scheme 2023. Collection method: clinical testing. Allele origin: germline.
Comment: The p.G1157S variant (also known as c.3469G>A), located in coding exon 6 of the MSH6 gene, results from a G to A substitution at nucleotide position 3469. The glycine at codon 1157 is replaced by serine, an amino acid with similar properties. This variant has been identified in a proband whose Lynch syndrome-associated tumor demonstrated normal mismatch repair protein expression by immunohistochemistry (IHC); however, this variant has also been identified in multiple probands whose Lynch syndrome-associated tumor demonstrated loss of MSH6 expression by IHC (Buchanan DD et al. J Clin Oncol, 2014 Jan;32:90-100; Ambry internal data; External laboratory data). In a functional study, this variant demonstrated deficient mismatch repair activity in an in vitro complementation assay (Thompson BA et al. Front Genet, 2020 Jul;11:798; Drost M et al. Genet Med, 2020 05;22:847-856). Based on internal structural analysis, G1157S is highly destabilizing to the local structure (Warren JJ et al. Mol Cell, 2007 May;26:579-92; Ambry internal data). Another alteration at the same codon, p.G1157C (c.3469G>T), has been identified in several individuals whose Lynch-associated tumor demonstrated high microsatellite instability (MSI-H) and/or isolated loss of MSH6 protein expression on IHC (Ambry internal data). This variant is considered to be rare based on population cohorts in the Genome Aggregation Database (gnomAD). This amino acid position is highly conserved in available vertebrate species. In addition, this alteration is predicted to be deleterious by in silico analysis. Based on the majority of available evidence to date, this variant is likely to be pathogenic.

Labcorp Genetics (formerly Invitae), Labcorp
Classification: Likely pathogenic for Hereditary nonpolyposis colorectal neoplasms. Last evaluated: 2025-06-01. Review status: criteria provided, single submitter. Criteria: Invitae Variant Classification Sherloc (09022015). Collection method: clinical testing. Allele origin: germline.
Comment: This sequence change replaces glycine, which is neutral and non-polar, with serine, which is neutral and polar, at codon 1157 of the MSH6 protein (p.Gly1157Ser). This variant is not present in population databases (gnomAD no frequency). This missense change has been observed in individual(s) with clinical features of MSH6-related conditions and/or colon cancer (PMID: 24323032, 32849802; internal data). ClinVar contains an entry for this variant (Variation ID: 89393). Invitae Evidence Modeling incorporating data from in vitro experimental studies (internal data) indicates that this missense variant is expected to disrupt MSH6 function with a positive predictive value of 95%. This variant disrupts the p.Gly1157 amino acid residue in MSH6. Other variant(s) that disrupt this residue have been determined to be pathogenic (internal data). This suggests that this residue is clinically significant, and that variants that disrupt this residue are likely to be disease-causing. In summary, the currently available evidence indicates that the variant is pathogenic, but additional data are needed to prove that conclusively. Therefore, this variant has been classified as Likely Pathogenic.

Genomics and Molecular Medicine Service, East Genomic Laboratory Hub, NHS Genomic Medicine Service
Classification: Likely pathogenic for Inherited MMR deficiency (Lynch syndrome). Last evaluated: 2024-05-23. Review status: criteria provided, single submitter. Criteria: ACGS Best Practice Guidelines for Variant Classification in Rare Disease 2020. Collection method: clinical testing. Allele origin: germline. Affected: yes.
Comment: PS3_Supporting,PM2_Supporting,PP3,PP4_Strong

Clinical Genomics Laboratory, Washington University in St. Louis
Classification: Likely pathogenic for Lynch syndrome 4. Last evaluated: 2024-05-01. Review status: criteria provided, single submitter. Criteria: ACMG Guidelines, 2015. Collection method: clinical testing. Allele origin: germline.
Comment: The MSH6 c.3469G>A (p.Gly1157Ser) variant has been reported in at least two individuals affected with colon and endometrial cancers (Buchanan DD et al., PMID: 24323032; Thompson BA et al., PMID: 32849802). This variant is absent from the general population (gnomAD v.2.1.1), indicating it is not a common variant. Functional studies show a decrease in mismatch repair activity, indicating that this variant impacts protein function (Thompson BA et al., PMID: 32849802). Furthermore, examination of protein expression by immunohistochemistry shows loss of MSH6 with this variant (Buchanan DD et al., PMID: 24323032). Other variants at this same codon, c.3470G>A (p.Gly1157Asp) and c.3469G>T (p.Gly1157Cys), have been reported in affected individuals in internal databases at Invitae and Ambry (ClinVar Variation IDs: 619540, 142773). Computational predictors indicate that the variant is damaging, evidence that correlates with impact to MSH6 function. Based on available information and the ACMG/AMP guidelines for variant interpretation (Richards S et al., PMID: 25741868), this variant is classified as likely pathogenic.

Myriad Genetics, Inc.
Classification: Likely pathogenic for Lynch syndrome 5. Last evaluated: 2023-08-23. Review status: criteria provided, single submitter. Criteria: Myriad Autosomal Dominant, Autosomal Recessive and X-Linked Classification Criteria (2023). Collection method: clinical testing. Allele origin: unknown.
Comment: This variant is considered likely pathogenic. Functional studies indicate this variant impacts protein function [PMID: 32849802]. This variant is expected to disrupt protein structure [Myriad internal data].

GeneDx
Classification: Likely pathogenic. Last evaluated: 2023-01-12. Review status: criteria provided, single submitter. Criteria: GeneDx Variant Classification Process June 2021. Collection method: clinical testing. Allele origin: germline. Affected: yes.
Comment: Not observed at significant frequency in large population cohorts (gnomAD); In silico analysis supports that this missense variant has a deleterious effect on protein structure/function; Published functional studies demonstrate significant decrease in mismatch repair activity (Thompson et al., 2020); This variant is associated with the following publications: (PMID: 23621914, 24323032, 17531815, 21120944, 32849802)

Mayo Clinic Laboratories, Mayo Clinic
Classification: Uncertain significance. Review status: no assertion criteria provided. Collection method: research. Allele origin: unknown. Observed: 1 variant allele. Not counted in ClinVar's aggregate classification.

Literature cited by the submitters: PubMed 17531815 (cited by Ambry Genetics); PubMed 24323032 (cited by Ambry Genetics and Labcorp Genetics (formerly Invitae), Labcorp); PubMed 32849802 (cited by 3 submitters).